The following is an entry in ClinVar:

NM_000245.4(MET):c.3257G>A (p.Arg1086Lys)

Gene: MET (MET proto-oncogene, receptor tyrosine kinase; plus strand). Cytogenetic location: 7q31.2.
Variant type: single nucleotide variant.
Coding change: c.3257G>A on transcript NM_000245.4 (MANE Select); coding-DNA position 3257, G replaced by A.
Protein change: p.Arg1086Lys; replaces arginine 1086 with lysine.
Molecular consequence: missense variant.
Genome position (GRCh38, 1-based): chr7:116,775,109, G>A. VCF-style: chr7-116775109-G-A. GRCh37 (hg19) VCF-style: chr7-116415163-G-A.
Other names: c.3311G>A (NM_001127500.1); c.3311G>A, p.Arg1104Lys (NM_001127500.3); c.1967G>A, p.Arg656Lys (NM_001324402.2); short protein forms R656K, R1104K, R1086K.
Identifiers: ClinVar variation 1352329 (VCV001352329.9), dbSNP rs2117032447, ClinGen allele CA368988862.

ClinVar aggregate classification (germline): Uncertain significance. Review status: criteria provided, multiple submitters, no conflicts (2 of 4 stars). 2 submissions from 2 submitters: Uncertain significance (2). Last evaluated 2023-12-07.

Conditions:
Renal cell carcinoma. Identifiers: Orphanet 217071, MedGen C0007134, MeSH D002292, MONDO:0005086, HP:0005584.
Hereditary cancer-predisposing syndrome. Also called: Neoplastic Syndromes, Hereditary; Tumor predisposition; Hereditary neoplastic syndrome; Hereditary Cancer Syndrome. Identifiers: Orphanet 140162, MedGen C0027672, MeSH D009386, MONDO:0015356.

Submissions (2):

Ambry Genetics
Classification: Uncertain significance for Hereditary cancer-predisposing syndrome. Last evaluated: 2023-12-07. Review status: criteria provided, single submitter. Criteria: Ambry Variant Classification Scheme 2023. Collection method: clinical testing. Allele origin: germline.
Comment: The p.R1104K variant (also known as c.3311G>A), located in coding exon 14 of the MET gene, results from a G to A substitution at nucleotide position 3311. The arginine at codon 1104 is replaced by lysine, an amino acid with highly similar properties. This amino acid position is conserved. In addition, the in silico prediction for this alteration is inconclusive. Since supporting evidence is limited at this time, the clinical significance of this alteration remains unclear.

Labcorp Genetics (formerly Invitae), Labcorp
Classification: Uncertain significance for Renal cell carcinoma. Last evaluated: 2021-05-08. Review status: criteria provided, single submitter. Criteria: Invitae Variant Classification Sherloc (09022015). Collection method: clinical testing. Allele origin: germline.
Comment: This variant is not present in population databases (ExAC no frequency). In summary, the available evidence is currently insufficient to determine the role of this variant in disease. Therefore, it has been classified as a Variant of Uncertain Significance. Algorithms developed to predict the effect of missense changes on protein structure and function are either unavailable or do not agree on the potential impact of this missense change (SIFT: "Tolerated"; PolyPhen-2: "Probably Damaging"; Align-GVGD: "Class C0"). This variant has not been reported in the literature in individuals with MET-related conditions. This sequence change replaces arginine with lysine at codon 1104 of the MET protein (p.Arg1104Lys). The arginine residue is highly conserved and there is a small physicochemical difference between arginine and lysine.